The following is an entry in ClinVar:

ClinVar aggregate classification (germline): Benign. Review status: criteria provided, multiple submitters, no conflicts (2 of 4 stars). 11 submissions from 11 submitters: Benign (9). 2 of the submissions do not count toward it. Last evaluated 2026-02-04.

Conditions:
Fraser syndrome 1 (FRASRS1). Also called: CRYPTOPHTHALMOS WITH OTHER MALFORMATIONS. Identifiers: Orphanet 2052, MedGen C4551480, MONDO:0054737, OMIM 219000.

Allele frequency attached by ClinVar (database versions not stated): 1000 Genomes Project 30x 0.96455; 1000 Genomes Project 0.96765; TOPMed 0.96887; ESP Exome Variant Server 0.96951; gnomAD 0.97162 and 0.97329; ExAC 0.99012; gnomAD exomes 0.99129 and 0.99608.
gnomAD v4.1: 1,603,881 of 1,613,966 alleles (99%); highest among the groups gnomAD compares: East Asian, 100%; 797,199 homozygotes.

Submissions (11):

Labcorp Genetics (formerly Invitae), Labcorp
Classification: Benign. Last evaluated: 2026-02-04. Review status: criteria provided, single submitter. Criteria: Invitae Variant Classification Sherloc (09022015). Collection method: clinical testing. Allele origin: germline.

Blueprint Genetics
Classification: Benign. Last evaluated: 2024-11-26. Review status: criteria provided, single submitter. Criteria: ACMG Guidelines, 2015. Collection method: clinical testing. Allele origin: germline.

Mayo Clinic Laboratories, Mayo Clinic
Classification: Benign. Last evaluated: 2022-03-09. Review status: criteria provided, single submitter. Criteria: ACMG Guidelines, 2015. Collection method: clinical testing. Allele origin: germline. Observed: 76 variant alleles.

Genome-Nilou Lab
Classification: Benign for Fraser syndrome 1. Last evaluated: 2021-08-10. Review status: criteria provided, single submitter. Criteria: ACMG Guidelines, 2015. Collection method: clinical testing. Allele origin: germline. Affected: no.

Illumina Laboratory Services, Illumina
Classification: Benign for Fraser syndrome 1. Last evaluated: 2018-01-13. Review status: criteria provided, single submitter. Criteria: ICSL Variant Classification Criteria 13 December 2019. Collection method: clinical testing. Allele origin: germline.
Comment: This variant was observed in the ICSL laboratory as part of a predisposition screen in an ostensibly healthy population. It had not been previously curated by ICSL or reported in the Human Gene Mutation Database (HGMD: prior to June 1st, 2018), and was therefore a candidate for classification through an automated scoring system. Utilizing variant allele frequency, disease prevalence and penetrance estimates, and inheritance mode, an automated score was calculated to assess if this variant is too frequent to cause the disease. Based on the score and internal cut-off values, a variant classified as benign is not then subjected to further curation. The score for this variant resulted in a classification of benign for this disease.

Eurofins Ntd Llc (ga)
Classification: Benign. Last evaluated: 2016-11-09. Review status: criteria provided, single submitter. Criteria: EGL Classification Definitions 2015. Collection method: clinical testing. Allele origin: germline. Observed: 2 variant alleles, 1 heterozygote, 1 homozygote.

GeneDx
Classification: Benign. Last evaluated: 2015-03-03. Review status: criteria provided, single submitter. Criteria: GeneDx Variant Classification Process June 2021. Collection method: clinical testing. Allele origin: germline. Affected: yes.

Breakthrough Genomics
Classification: Benign. Review status: criteria provided, single submitter. Criteria: ACMG Guidelines, 2015. Collection method: not provided. Allele origin: germline. Inheritance: Autosomal recessive inheritance. Affected: yes.

PreventionGenetics, part of Exact Sciences
Classification: Benign. Review status: criteria provided, single submitter. Criteria: ACMG Guidelines, 2015. Collection method: clinical testing. Allele origin: germline.

Diagnostic Laboratory, Department of Genetics, University Medical Center Groningen
Classification: Benign for Fraser syndrome 1. Review status: no assertion criteria provided. Collection method: clinical testing. Allele origin: germline. Affected: yes. Study: VKGL Data-share Consensus. Not counted in ClinVar's aggregate classification.

Genome Diagnostics Laboratory, University Medical Center Utrecht
Classification: Benign. Review status: no assertion criteria provided. Collection method: clinical testing. Allele origin: germline. Affected: yes. Study: VKGL Data-share Consensus. Not counted in ClinVar's aggregate classification.

NM_025074.7(FRAS1):c.7132A>G (p.Lys2378Glu)

Gene: FRAS1 (Fraser extracellular matrix complex subunit 1; plus strand). Cytogenetic location: 4q21.21.
Variant type: single nucleotide variant.
Coding change: c.7132A>G on transcript NM_025074.7 (MANE Select); coding-DNA position 7132, A replaced by G.
Protein change: p.Lys2378Glu; replaces lysine 2378 with glutamic acid.
Molecular consequence: missense variant.
Genome position (GRCh38, 1-based): chr4:78,466,310, A>G. VCF-style: chr4-78466310-A-G. GRCh37 (hg19) VCF-style: chr4-79387464-A-G.
Other names: p.Lys2378Glu; short protein forms K2378E.
Identifiers: ClinVar variation 261813 (VCV000261813.23), dbSNP rs7684722, ClinGen allele CA2978000.